The following is an entry in ClinVar:

NM_005732.4(RAD50):c.3033G>A (p.Gln1011=)

Gene: RAD50 (RAD50 double strand break repair protein; plus strand). Cytogenetic location: 5q31.1.
Variant type: single nucleotide variant.
Coding change: c.3033G>A on transcript NM_005732.4 (MANE Select); coding-DNA position 3033, G replaced by A.
Protein change: p.Gln1011=; no amino-acid change (glutamine 1011 retained).
Molecular consequence: synonymous variant.
Genome position (GRCh38, 1-based): chr5:132,609,393, G>A. VCF-style: chr5-132609393-G-A. GRCh37 (hg19) VCF-style: chr5-131945085-G-A.
Identifiers: ClinVar variation 3572257 (VCV003572257.2).
Genomic context (GRCh38, chr5:132,609,393, plus strand): 5'-GAAACACAAAGAAAAGATAAATGAAGATATGAGACTCATGAGACAAGATATTGATACACA[G>A]AAGGTAGGTCTGTTTTGCTTATGATATCACTTACACCTATGACATTCTTTTCTATAGTTT-3'
Protein context (NP_005723.2, residues 1001-1021): MRLMRQDIDT[Gln1011=]KIQERWLQDN

ClinVar aggregate classification (germline): Conflicting classifications of pathogenicity. Review status: criteria provided, conflicting classifications (1 of 4 stars). 2 submissions from 2 submitters: Uncertain significance (1); Likely benign (1). Last evaluated 2025-03-30.

Conditions:
Hereditary cancer-predisposing syndrome. Also called: Hereditary Cancer Syndrome; Hereditary neoplastic syndrome; Tumor predisposition; Neoplastic Syndromes, Hereditary. Identifiers: Orphanet 140162, MedGen C0027672, MeSH D009386, MONDO:0015356.

gnomAD v4.1: 1 of 1,613,634 alleles (0.000062%); highest among the groups gnomAD compares: Non-Finnish European, 0.000085%; no homozygotes.

Submissions (2):

Ambry Genetics
Classification: Likely benign for Hereditary cancer-predisposing syndrome. Last evaluated: 2025-03-30. Review status: criteria provided, single submitter. Criteria: Ambry Variant Classification Scheme 2023. Collection method: clinical testing. Allele origin: germline.

Quest Diagnostics Nichols Institute San Juan Capistrano
Classification: Uncertain significance. Last evaluated: 2023-11-07. Review status: criteria provided, single submitter. Criteria: Quest Diagnostics criteria. Collection method: clinical testing. Allele origin: unknown.
Comment: The RAD50 c.3033G>A (p.Gln1011=) synonymous variant has not been reported in individuals with RAD50-related conditions in the published literature. The frequency of this variant in the general population, 0.0000012 (1/833108 chromosomes (Genome Aggregation Database)), is uninformative in the assessment of its pathogenicity. Analysis of this variant using software algorithms for the prediction of the effect of nucleotide changes on splicing yielded predictions that this variant does not affect RAD50 mRNA splicing. Based on the available information, we are unable to determine the clinical significance of this variant.